The following is an entry in ClinVar:

NM_001457.4(FLNB):c.1107C>T (p.Asn369=)

Gene: FLNB (filamin B; plus strand). Cytogenetic location: 3p14.3.
Variant type: single nucleotide variant.
Coding change: c.1107C>T on transcript NM_001457.4 (MANE Select); coding-DNA position 1107, C replaced by T.
Protein change: p.Asn369=; no amino-acid change (asparagine 369 retained).
Molecular consequence: synonymous variant.
Genome position (GRCh38, 1-based): chr3:58,097,937, C>T. VCF-style: chr3-58097937-C-T. GRCh37 (hg19) VCF-style: chr3-58083664-C-T.
Other names: c.1107C>T, p.Asn369= (NM_001164317.2, NM_001164318.2, NM_001164319.2).
Identifiers: ClinVar variation 720245 (VCV000720245.14), dbSNP rs538953239, ClinGen allele CA2467697.

ClinVar aggregate classification (germline): Benign/Likely benign. Review status: criteria provided, multiple submitters, no conflicts (2 of 4 stars). 4 submissions from 4 submitters: Benign (1); Likely benign (2). 1 of the submissions does not count toward it. Last evaluated 2025-07-03.

Conditions:
Connective tissue disorder. Also called: Connective tissue disease. Identifiers: MedGen C0009782, MONDO:0003900.
FLNB-related disorder. Also called: FLNB-related disorders; FLNB-related condition. Identifiers: MedGen CN381095.

Allele frequency attached by ClinVar (database versions not stated): gnomAD 0.00002 and 0.00025; TOPMed 0.00003; gnomAD exomes 0.00038 and 0.00085; ExAC 0.00096; 1000 Genomes Project 30x 0.00109; 1000 Genomes Project 0.00140.
gnomAD v4.1: 596 of 1,614,134 alleles (0.037%); highest among the groups gnomAD compares: South Asian, 0.62%; 6 homozygotes.

Submissions (4):

Labcorp Genetics (formerly Invitae), Labcorp
Classification: Benign. Last evaluated: 2025-07-03. Review status: criteria provided, single submitter. Criteria: Invitae Variant Classification Sherloc (09022015). Collection method: clinical testing. Allele origin: germline.

Blueprint Genetics
Classification: Likely benign. Last evaluated: 2024-10-23. Review status: criteria provided, single submitter. Criteria: ACMG Guidelines, 2015. Collection method: clinical testing. Allele origin: germline.

Genome Diagnostics Laboratory, The Hospital for Sick Children
Classification: Likely benign for Connective tissue disorder. Last evaluated: 2021-01-22. Review status: criteria provided, single submitter. Criteria: ACMG Guidelines, 2015. Collection method: clinical testing. Allele origin: germline.

PreventionGenetics, part of Exact Sciences
Classification: Likely benign for FLNB-related condition. Last evaluated: 2019-05-24. Review status: no assertion criteria provided. Collection method: clinical testing. Allele origin: germline. Not counted in ClinVar's aggregate classification.
Comment: This variant is classified as likely benign based on ACMG/AMP sequence variant interpretation guidelines (Richards et al. 2015 PMID: 25741868, with internal and published modifications).